The following is an entry in ClinVar:

NM_002354.3(EPCAM):c.810T>A (p.Ala270=)

Gene: EPCAM (epithelial cell adhesion molecule; plus strand). Cytogenetic location: 2p21.
Variant type: single nucleotide variant.
Coding change: c.810T>A on transcript NM_002354.3 (MANE Select); coding-DNA position 810, T replaced by A.
Protein change: p.Ala270=; no amino-acid change (alanine 270 retained).
Molecular consequence: synonymous variant.
Genome position (GRCh38, 1-based): chr2:47,379,921, T>A. VCF-style: chr2-47379921-T-A. GRCh37 (hg19) VCF-style: chr2-47607060-T-A.
Identifiers: ClinVar variation 3905960 (VCV003905960.10).

ClinVar aggregate classification (germline): Likely benign (1 of 4 stars; one submission).

Submission:

CeGaT Center for Human Genetics Tuebingen
Classification: Likely benign. Last evaluated: 2025-06-01. Review status: criteria provided, single submitter. Criteria: CeGaT Center For Human Genetics Tuebingen Variant Classification Criteria Version 2. Collection method: clinical testing. Allele origin: germline. Affected: yes. Observed: 1 variant allele.
Comment: EPCAM: PM2:Supporting, BP4, BP7